The following is an entry in ClinVar:

ClinVar aggregate classification (germline): Likely pathogenic. Review status: criteria provided, multiple submitters, no conflicts (2 of 4 stars). 3 submissions from 3 submitters: Likely pathogenic (2). 1 of the submissions does not count toward it. Last evaluated 2026-09-08.

Conditions:
Fabry disease. Also called: Fabry's disease; CERAMIDE TRIHEXOSIDASE DEFICIENCY; GLA DEFICIENCY; HEREDITARY DYSTOPIC LIPIDOSIS; Angiokeratoma corporis diffusum; ALPHA-GALACTOSIDASE A DEFICIENCY. Identifiers: Orphanet 324, MedGen C0002986, MONDO:0010526, OMIM 301500, HP:0001071. Disease mechanism: Fabry disease is due to inactivating mutations in the X-linked GLA gene resulting in deficiency of the enzyme Alpha Galactosidase-A., loss of function.

Submissions (3):

Genomenon, Inc
Classification: Likely pathogenic for Fabry disease. Last evaluated: 2026-09-08. Review status: criteria provided, single submitter. Criteria: Genomenon Sequence Variant Interpretation Standards - Updated. Collection method: curation. Allele origin: germline. Affected: yes.
Comment: GLA p.Asp244His (c.730G>C) is a missense variant that changes the amino acid at codon 244 from Aspartic acid to Histidine. This variant has been observed in at least one proband with clinical features consistent with Fabry disease (PMID:10666480). Functional or patient cell studies have been reported (PMID:24386359;36674610;35563496;22004918;24361605;27657681). This variant is located in a mutational hotspot and/or important functional domain. It is absent or not present at a significant frequency in gnomAD. In silico models predict that this variant is possibly or probably damaging. In conclusion, we classify GLA p.Asp244His (c.730G>C) as a likely pathogenic variant.

Fulgent Genetics
Classification: Likely pathogenic for Fabry disease. Last evaluated: 2021-07-29. Review status: criteria provided, single submitter. Criteria: ACMG Guidelines, 2015. Collection method: clinical testing. Allele origin: unknown.

Gharavi Laboratory, Columbia University
Classification: Pathogenic. Last evaluated: 2018-09-16. Review status: no assertion criteria provided. Criteria: ACMG Guidelines, 2015. Collection method: research. Allele origin: germline. Affected: yes. Not counted in ClinVar's aggregate classification.

Literature cited by the submitters: PubMed 10666480 (cited by Genomenon, Inc); PubMed 24386359 (cited by Genomenon, Inc); PubMed 36674610 (cited by Genomenon, Inc); PubMed 35563496 (cited by Genomenon, Inc); PubMed 22004918 (cited by Genomenon, Inc); PubMed 24361605 (cited by Genomenon, Inc); PubMed 27657681 (cited by Genomenon, Inc).

NM_000169.3(GLA):c.730G>C (p.Asp244His)

Genes: GLA (galactosidase alpha; minus strand), RPL36A-HNRNPH2 (RPL36A-HNRNPH2 readthrough; plus strand). Cytogenetic location: Xq22.1.
Variant type: single nucleotide variant.
Coding change: c.730G>C on transcript NM_000169.3 (MANE Select); coding-DNA position 730, G replaced by C.
Protein change: p.Asp244His; replaces aspartic acid 244 with histidine.
Molecular consequence: missense variant. On other transcripts: non-coding transcript variant (3), intron variant (2).
Genome position (GRCh38, 1-based): chrX:101,398,856, C>G on the plus strand (G>C on the coding strand, the complement: GLA is on the minus strand). VCF-style: chrX-101398856-C-G. GRCh37 (hg19) VCF-style: chrX-100653844-C-G.
Other names: c.853G>C, p.Asp285His (NM_001406747.1); c.730G>C, p.Asp244His (NM_001406748.1); c.300+3399C>G (NM_001199973.2); c.177+7034C>G (NM_001199974.2); short protein forms D244H, D285H.
Identifiers: ClinVar variation 562436 (VCV000562436.4), dbSNP rs727503948, ClinGen allele CA413924412.
Genomic context (GRCh38, chrX:101,398,856, plus strand): 5'-CATTCCAACCCCCTGGTCCAGCAACATCAACAATTCTCTCCTGGTTAAAAGATGTCCAGT[C>G]CAAGATACTCTTTATACTTTTCCAGGAATCATCAATGTCAGCAAAATTTCGCCAGTGATT-3'
Protein context (NP_000160.1, residues 234-254): DSWKSIKSIL[Asp244His]WTSFNQERIV